The following is an entry in ClinVar:

ClinVar aggregate classification (germline): Benign/Likely benign. Review status: criteria provided, multiple submitters, no conflicts (2 of 4 stars). 5 submissions from 5 submitters: Benign (1); Likely benign (4). Last evaluated 2025-12-14.

Conditions:
Familial cancer of breast. Also called: BREAST CANCER, FAMILIAL; hereditary breast carcinoma; Hereditary breast cancer. Identifiers: Orphanet 227535, MedGen C0346153, MONDO:0016419, OMIM 114480. Disease mechanism: loss of function.
Ovarian cancer. Also called: OVARIAN CANCER, SOMATIC. Identifiers: Orphanet 213500, MedGen C1140680, MONDO:0008170, OMIM 167000.
Hereditary cancer-predisposing syndrome. Also called: Neoplastic Syndromes, Hereditary; Hereditary neoplastic syndrome; Tumor predisposition; Hereditary Cancer Syndrome. Identifiers: Orphanet 140162, MedGen C0027672, MeSH D009386, MONDO:0015356.
Hereditary diffuse gastric adenocarcinoma (HDGC). Also called: DIFFUSE GASTRIC AND LOBULAR BREAST CANCER SYNDROME. Identifiers: Orphanet 26106, MedGen C1708349, MONDO:0007648, OMIM 137215.

gnomAD v4.1: 1 of 1,614,082 alleles (0.000062%); no homozygotes.

Submissions (5):

Labcorp Genetics (formerly Invitae), Labcorp
Classification: Likely benign for Hereditary diffuse gastric adenocarcinoma. Last evaluated: 2025-12-14. Review status: criteria provided, single submitter. Criteria: Invitae Variant Classification Sherloc (09022015). Collection method: clinical testing. Allele origin: germline.

Myriad Genetics, Inc.
Classification: Benign for Hereditary diffuse gastric adenocarcinoma. Last evaluated: 2024-09-12. Review status: criteria provided, single submitter. Criteria: Myriad Autosomal Dominant, Autosomal Recessive and X-Linked Classification Criteria (2023). Collection method: clinical testing. Allele origin: unknown.
Comment: This variant is considered benign. This variant is a silent/synonymous amino acid change and it is not expected to impact splicing.

Ambry Genetics
Classification: Likely benign for Hereditary cancer-predisposing syndrome. Last evaluated: 2021-03-03. Review status: criteria provided, single submitter. Criteria: Ambry Variant Classification Scheme 2023. Collection method: clinical testing. Allele origin: germline.

Department of Pathology and Laboratory Medicine, Sinai Health System
Classification: Likely benign for Familial cancer of breast; Ovarian cancer. Last evaluated: 2019-11-12. Review status: criteria provided, single submitter. Criteria: ACMG Guidelines, 2015. Collection method: clinical testing. Allele origin: germline. Affected: yes.

GeneDx
Classification: Likely benign. Last evaluated: 2016-02-23. Review status: criteria provided, single submitter. Criteria: GeneDx Variant Classification (06012015). Collection method: clinical testing. Allele origin: germline. Affected: yes.
Comment: This variant is considered likely benign or benign based on one or more of the following criteria: it is a conservative change, it occurs at a poorly conserved position in the protein, it is predicted to be benign by multiple in silico algorithms, and/or has population frequency not consistent with disease.

NM_004360.5(CDH1):c.417G>A (p.Leu139=)

Gene: CDH1 (cadherin 1; plus strand). Cytogenetic location: 16q22.1.
Variant type: single nucleotide variant.
Coding change: c.417G>A on transcript NM_004360.5 (MANE Select); coding-DNA position 417, G replaced by A.
Protein change: p.Leu139=; no amino-acid change (leucine 139 retained).
Molecular consequence: synonymous variant. On other transcripts: 5 prime UTR variant (2).
Genome position (GRCh38, 1-based): chr16:68,808,453, G>A. VCF-style: chr16-68808453-G-A. GRCh37 (hg19) VCF-style: chr16-68842356-G-A.
Other names: c.417G>A, p.Leu139= (NM_001317184.2); c.-1199G>A (NM_001317185.2); c.-1403G>A (NM_001317186.2); c.417G>A (LRG_301t1, NM_004360.4).
Identifiers: ClinVar variation 384103 (VCV000384103.14), dbSNP rs1057521858, ClinGen allele CA16607344.